The following is an entry in ClinVar:

NM_172240.3(POC1B):c.1012G>A (p.Glu338Lys)

Genes: POC1B (POC1 centriolar protein B; minus strand), POC1B-DUSP6 (POC1B-DUSP6 readthrough; minus strand). Cytogenetic location: 12q21.33.
Variant type: single nucleotide variant.
Coding change: c.1012G>A on transcript NM_172240.3 (MANE Select); coding-DNA position 1012, G replaced by A.
Protein change: p.Glu338Lys; replaces glutamic acid 338 with lysine.
Molecular consequence: missense variant. On other transcripts: non-coding transcript variant (2).
Genome position (GRCh38, 1-based): chr12:89,466,790, C>T on the plus strand (G>A on the coding strand, the complement: POC1B is on the minus strand). VCF-style: chr12-89466790-C-T. GRCh37 (hg19) VCF-style: chr12-89860567-C-T.
Other names: c.886G>A, p.Glu296Lys (NM_001199777.2); short protein forms E296K, E338K.
Identifiers: ClinVar variation 1473088 (VCV001473088.7), dbSNP rs767863964, ClinGen allele CA6714327.
Genomic context (GRCh38, chr12:89,466,790, plus strand): 5'-TGTACACAAAATGTAGGACAAATATGAACAAAATACTCACTTCTACAGTCTCAACTTTTT[C>T]CTCATGGGGATGTGGTGTTCTTGGGTAGATATCAAGAAGATGTGGTGGTGAATCAAAATG-3'
Protein context (NP_758440.1, residues 328-348): IYPRTPHPHE[Glu338Lys]KVETVEINPK

ClinVar aggregate classification (germline): Uncertain significance. Review status: criteria provided, multiple submitters, no conflicts (2 of 4 stars). 2 submissions from 2 submitters: Uncertain significance (2). Last evaluated 2024-02-07.

Conditions:
Cone-rod dystrophy 20 (CORD20). Identifiers: Orphanet 1872, MedGen C4014856, MONDO:0014427, OMIM 615973.

Allele frequency attached by ClinVar (database versions not stated): TOPMed 0.00001; ExAC 0.00002; gnomAD exomes 0.00002 and 0.00003.
gnomAD v4.1: 11 of 1,611,602 alleles (0.00068%); highest among the groups gnomAD compares: Admixed American, 0.0084%; no homozygotes.

Submissions (2):

Fulgent Genetics
Classification: Uncertain significance for Cone-rod dystrophy 20. Last evaluated: 2024-02-07. Review status: criteria provided, single submitter. Criteria: ACMG Guidelines, 2015. Collection method: clinical testing. Allele origin: germline.

Labcorp Genetics (formerly Invitae), Labcorp
Classification: Uncertain significance. Last evaluated: 2021-12-06. Review status: criteria provided, single submitter. Criteria: Invitae Variant Classification Sherloc (09022015). Collection method: clinical testing. Allele origin: germline.
Comment: This sequence change replaces glutamic acid, which is acidic and polar, with lysine, which is basic and polar, at codon 338 of the POC1B protein (p.Glu338Lys). This variant is present in population databases (rs767863964, gnomAD 0.02%). This variant has not been reported in the literature in individuals affected with POC1B-related conditions. In summary, the available evidence is currently insufficient to determine the role of this variant in disease. Therefore, it has been classified as a Variant of Uncertain Significance. Algorithms developed to predict the effect of missense changes on protein structure and function (SIFT, PolyPhen-2, Align-GVGD) all suggest that this variant is likely to be tolerated.